The following is an entry in ClinVar:

NM_020693.4(DSCAML1):c.617G>C (p.Gly206Ala)

Gene: DSCAML1 (DS cell adhesion molecule like 1; minus strand). Cytogenetic location: 11q23.3.
Variant type: single nucleotide variant.
Coding change: c.617G>C on transcript NM_020693.4 (MANE Select); coding-DNA position 617, G replaced by C.
Protein change: p.Gly206Ala; replaces glycine 206 with alanine.
Molecular consequence: missense variant.
Genome position (GRCh38, 1-based): chr11:117,532,417, C>G on the plus strand (G>C on the coding strand, the complement: DSCAML1 is on the minus strand). VCF-style: chr11-117532417-C-G. GRCh37 (hg19) VCF-style: chr11-117403132-C-G.
Other names: c.617G>C, p.Gly206Ala (NM_001367904.1); c.209G>C, p.Gly70Ala (NM_001367905.1); c.797G>C (NM_020693.2); short protein forms G206A, G70A.
Identifiers: ClinVar variation 3612158 (VCV003612158.3).

ClinVar aggregate classification (germline): Uncertain significance. Review status: criteria provided, multiple submitters, no conflicts (2 of 4 stars). 2 submissions from 2 submitters: Uncertain significance (2). Last evaluated 2025-12-11.

Submissions (2):

Ambry Genetics
Classification: Uncertain significance. Last evaluated: 2025-12-11. Review status: criteria provided, single submitter. Criteria: Ambry Variant Classification Scheme 2023. Collection method: clinical testing. Allele origin: germline.

Labcorp Genetics (formerly Invitae), Labcorp
Classification: Uncertain significance. Last evaluated: 2024-04-13. Review status: criteria provided, single submitter. Criteria: Invitae Variant Classification Sherloc (09022015). Collection method: clinical testing. Allele origin: germline.
Comment: This sequence change replaces glycine, which is neutral and non-polar, with alanine, which is neutral and non-polar, at codon 266 of the DSCAML1 protein (p.Gly266Ala). This variant is not present in population databases (gnomAD no frequency). This variant has not been reported in the literature in individuals affected with DSCAML1-related conditions. An algorithm developed to predict the effect of missense changes on protein structure and function (PolyPhen-2) suggests that this variant is likely to be tolerated. In summary, the available evidence is currently insufficient to determine the role of this variant in disease. Therefore, it has been classified as a Variant of Uncertain Significance.